The following is an entry in ClinVar:

NM_002292.4(LAMB2):c.5293G>A (p.Ala1765Thr)

Gene: LAMB2 (laminin subunit beta 2; minus strand). Cytogenetic location: 3p21.31.
Variant type: single nucleotide variant.
Coding change: c.5293G>A on transcript NM_002292.4 (MANE Select); coding-DNA position 5293, G replaced by A.
Protein change: p.Ala1765Thr; replaces alanine 1765 with threonine.
Molecular consequence: missense variant.
Genome position (GRCh38, 1-based): chr3:49,121,330, C>T on the plus strand (G>A on the coding strand, the complement: LAMB2 is on the minus strand). VCF-style: chr3-49121330-C-T. GRCh37 (hg19) VCF-style: chr3-49158763-C-T.
Other names: p.Ala1765Thr; short protein forms A1765T.
Identifiers: ClinVar variation 258615 (VCV000258615.29), dbSNP rs74951356, ClinGen allele CA2393553.
Genomic context (GRCh38, chr3:49,121,330, plus strand): 5'-GAAGCACGCTGCGCATCCTGGCCTCCAACCCGTCCAACTGGGCTGCCTTACTCTCCAGTG[C>T]CCGCTCATTTTCCTCATAGGTGCCTTCCAATTCTAGGAAGGGCAGGTGTCAGTTTAGGGG-3'
Protein context (NP_002283.3, residues 1755-1775): LEGTYEENER[Ala1765Thr]LESKAAQLDG

ClinVar aggregate classification (germline): Benign/Likely benign. Review status: criteria provided, multiple submitters, no conflicts (2 of 4 stars). 9 submissions from 8 submitters: Benign (5); Likely benign (4). Last evaluated 2026-02-02.

Conditions:
LAMB2-related infantile-onset nephrotic syndrome. Also called: Nephrotic Syndrome, type 5; NEPHROTIC SYNDROME, TYPE 5, WITHOUT OCULAR ABNORMALITIES; NEPHROTIC SYNDROME, TYPE 5, WITH OCULAR ABNORMALITIES. Identifiers: Orphanet 306507, MedGen C3280113, MONDO:0013621, OMIM 614199.
Pierson syndrome. Also called: MICROCORIA-CONGENITAL NEPHROTIC SYNDROME. Identifiers: Orphanet 2670, MedGen C1836876, MONDO:0012184, OMIM 609049.
Focal segmental glomerulosclerosis (FSGS). Also called: Glomerulosclerosis, focal; Focal sclerosis with hyalinosis. Identifiers: MedGen C0017668, MONDO:0100313, HP:0000097. Disease mechanism: loss of function.

Allele frequency attached by ClinVar (database versions not stated): 1000 Genomes Project 30x 0.01234; 1000 Genomes Project 0.01298; gnomAD 0.01905 and 0.01940; TOPMed 0.01911; gnomAD exomes 0.02069 and 0.02755; ESP Exome Variant Server 0.02122; ExAC 0.02161.
gnomAD v4.1: 42,993 of 1,613,976 alleles (2.7%); highest among the groups gnomAD compares: Non-Finnish European, 3.1%; 663 homozygotes.

Submissions (9):

Labcorp Genetics (formerly Invitae), Labcorp
Classification: Benign for LAMB2-related infantile-onset nephrotic syndrome; Pierson syndrome. Last evaluated: 2026-02-02. Review status: criteria provided, single submitter. Criteria: Invitae Variant Classification Sherloc (09022015). Collection method: clinical testing. Allele origin: germline.

GeneDx
Classification: Likely benign. Last evaluated: 2025-03-07. Review status: criteria provided, single submitter. Criteria: GeneDx Variant Classification Process June 2021. Collection method: clinical testing. Allele origin: germline. Affected: yes.
Comment: See Variant Classification Assertion Criteria.

Blueprint Genetics
Classification: Likely benign. Last evaluated: 2024-11-26. Review status: criteria provided, single submitter. Criteria: ACMG Guidelines, 2015. Collection method: clinical testing. Allele origin: germline.

Mayo Clinic Laboratories, Mayo Clinic
Classification: Benign. Last evaluated: 2021-02-15. Review status: criteria provided, single submitter. Criteria: ACMG Guidelines, 2015. Collection method: clinical testing. Allele origin: germline. Observed: 21 variant alleles.

Genome Diagnostics Laboratory, The Hospital for Sick Children
Classification: Likely benign for Focal segmental glomerulosclerosis. Last evaluated: 2020-01-01. Review status: criteria provided, single submitter. Criteria: ACMG Guidelines, 2015. Collection method: clinical testing. Allele origin: germline.

Illumina Laboratory Services, Illumina
Classification: Benign for Pierson syndrome. Last evaluated: 2018-01-13. Review status: criteria provided, single submitter. Criteria: ICSL Variant Classification Criteria 13 December 2019. Collection method: clinical testing. Allele origin: germline.
Comment: This variant was observed in the ICSL laboratory as part of a predisposition screen in an ostensibly healthy population. It had not been previously curated by ICSL or reported in the Human Gene Mutation Database (HGMD: prior to June 1st, 2018), and was therefore a candidate for classification through an automated scoring system. Utilizing variant allele frequency, disease prevalence and penetrance estimates, and inheritance mode, an automated score was calculated to assess if this variant is too frequent to cause the disease. Based on the score and internal cut-off values, a variant classified as benign is not then subjected to further curation. The score for this variant resulted in a classification of benign for this disease.

Illumina Laboratory Services, Illumina
Classification: Benign for LAMB2-related infantile-onset nephrotic syndrome. Last evaluated: 2018-01-13. Review status: criteria provided, single submitter. Criteria: ICSL Variant Classification Criteria 13 December 2019. Collection method: clinical testing. Allele origin: germline.
Comment: the same text as in the submission from Illumina Laboratory Services, Illumina above.

Breakthrough Genomics
Classification: Likely benign. Review status: criteria provided, single submitter. Criteria: ACMG Guidelines, 2015. Collection method: not provided. Allele origin: germline. Inheritance: Autosomal recessive inheritance. Affected: yes.

PreventionGenetics, part of Exact Sciences
Classification: Benign. Review status: criteria provided, single submitter. Criteria: ACMG Guidelines, 2015. Collection method: clinical testing. Allele origin: germline.